The following is an entry in ClinVar:

ClinVar aggregate classification (germline): Uncertain significance. Review status: criteria provided, multiple submitters, no conflicts (2 of 4 stars). 2 submissions from 2 submitters: Uncertain significance (2). Last evaluated 2025-01-11.

Conditions:
Hereditary cancer-predisposing syndrome. Also called: Neoplastic Syndromes, Hereditary; Tumor predisposition; Hereditary Cancer Syndrome; Hereditary neoplastic syndrome. Identifiers: Orphanet 140162, MedGen C0027672, MeSH D009386, MONDO:0015356.
Familial adenomatous polyposis 1 (FAP1). Also called: FAMILIAL ADENOMATOUS POLYPOSIS 1, ATTENUATED; POLYPOSIS, ADENOMATOUS INTESTINAL. Identifiers: MedGen C2713442, MONDO:0021056, OMIM 175100. Disease mechanism: loss of function.

Submissions (2):

Labcorp Genetics (formerly Invitae), Labcorp
Classification: Uncertain significance for Familial adenomatous polyposis 1. Last evaluated: 2025-01-11. Review status: criteria provided, single submitter. Criteria: Invitae Variant Classification Sherloc (09022015). Collection method: clinical testing. Allele origin: germline.
Comment: This sequence change replaces lysine, which is basic and polar, with asparagine, which is neutral and polar, at codon 2202 of the APC protein (p.Lys2202Asn). This variant is not present in population databases (gnomAD no frequency). This variant has not been reported in the literature in individuals affected with APC-related conditions. ClinVar contains an entry for this variant (Variation ID: 141645). Invitae Evidence Modeling of protein sequence and biophysical properties (such as structural, functional, and spatial information, amino acid conservation, physicochemical variation, residue mobility, and thermodynamic stability) indicates that this missense variant is not expected to disrupt APC protein function with a negative predictive value of 95%. In summary, the available evidence is currently insufficient to determine the role of this variant in disease. Therefore, it has been classified as a Variant of Uncertain Significance.

Ambry Genetics
Classification: Uncertain significance for Hereditary cancer-predisposing syndrome. Last evaluated: 2024-03-21. Review status: criteria provided, single submitter. Criteria: Ambry Variant Classification Scheme 2023. Collection method: clinical testing. Allele origin: germline.
Comment: The p.K2202N variant (also known as c.6606A>C), located in coding exon 15 of the APC gene, results from an A to C substitution at nucleotide position 6606. The lysine at codon 2202 is replaced by asparagine, an amino acid with similar properties. This amino acid position is highly conserved in available vertebrate species. In addition, in silico predictors for this gene do not accurately predict pathogenicity. Since supporting evidence is limited at this time, the clinical significance of this alteration remains unclear.

NM_000038.6(APC):c.6606A>C (p.Lys2202Asn)

Gene: APC (APC regulator of Wnt signaling pathway; plus strand). Cytogenetic location: 5q22.2.
Variant type: single nucleotide variant.
Coding change: c.6606A>C on transcript NM_000038.6 (MANE Select); coding-DNA position 6606, A replaced by C.
Protein change: p.Lys2202Asn; replaces lysine 2202 with asparagine.
Molecular consequence: missense variant.
Genome position (GRCh38, 1-based): chr5:112,842,200, A>C. VCF-style: chr5-112842200-A-C. GRCh37 (hg19) VCF-style: chr5-112177897-A-C.
Other names: c.6606A>C, p.Lys2202Asn (NM_001127510.3, NM_001354895.2); c.6552A>C, p.Lys2184Asn (NM_001127511.3); c.6660A>C, p.Lys2220Asn (NM_001354896.2); c.6636A>C, p.Lys2212Asn (NM_001354897.2); c.6531A>C, p.Lys2177Asn (NM_001354898.2); c.6522A>C, p.Lys2174Asn (NM_001354899.2); c.6483A>C, p.Lys2161Asn (NM_001354900.2); c.6429A>C, p.Lys2143Asn (NM_001354901.2); and 5 more; short protein forms K2184N, K2202N, K2076N, K2111N, K2174N, K1919N, K2101N, K2143N.
Identifiers: ClinVar variation 141645 (VCV000141645.17), dbSNP rs587781903, ClinGen allele CA012297.